The following is an entry in ClinVar:

NC_000010.10:g.(?_55566339)_(56288162_?)del

Gene: PCDH15 (protocadherin related 15; minus strand). Cytogenetic location: 10q21.1.
Variant type: Deletion.
Identifiers: ClinVar variation 1428344 (VCV001428344.5).

ClinVar aggregate classification (germline): Pathogenic (1 of 4 stars; one submission).

Submission:

Labcorp Genetics (formerly Invitae), Labcorp
Classification: Pathogenic. Last evaluated: 2021-08-12. Review status: criteria provided, single submitter. Criteria: Invitae Variant Classification Sherloc (09022015). Collection method: clinical testing. Allele origin: germline.
Comment: This variant is a gross deletion of the genomic region encompassing exon(s) 3-33 of the PCDH15 gene, which includes the termination codon. This deletion extends beyond the assayed region for this gene and therefore may encompass additional genes. While this deletion is not anticipated to lead to nonsense mediated decay, it is expected to alter mRNA translation or result in a truncated protein product. This variant has not been reported in the literature in individuals affected with PCDH15-related conditions. The region of the PCDH15 gene that includes exon(s) 3 has been determined to be clinically significant (PMID: 20538994). Therefore, deletions that encompass that region are likely to be disease-causing. For these reasons, this variant has been classified as Pathogenic.

Literature cited by the submitters: PubMed 20538994.